The following is an entry in ClinVar:

ClinVar aggregate classification (germline): Uncertain significance (1 of 4 stars; one submission).

Allele frequency attached by ClinVar (database versions not stated): gnomAD exomes below 0.00001.
gnomAD v4.1: 1 of 1,521,636 alleles (0.000066%); highest among the groups gnomAD compares: South Asian, 0.0014%; no homozygotes.

Submission:

GeneDx
Classification: Uncertain significance. Last evaluated: 2021-04-20. Review status: criteria provided, single submitter. Criteria: GeneDx Variant Classification Process June 2021. Collection method: clinical testing. Allele origin: germline. Affected: yes.
Comment: Not observed in large population cohorts (Lek et al., 2016); In silico analysis supports that this missense variant does not alter protein structure/function; Has not been previously published as pathogenic or benign to our knowledge

NM_016343.4(CENPF):c.3174T>A (p.Asn1058Lys)

Gene: CENPF (centromere protein F; plus strand). Cytogenetic location: 1q41.
Variant type: single nucleotide variant.
Coding change: c.3174T>A on transcript NM_016343.4 (MANE Select); coding-DNA position 3174, T replaced by A.
Protein change: p.Asn1058Lys; replaces asparagine 1058 with lysine.
Molecular consequence: missense variant.
Genome position (GRCh38, 1-based): chr1:214,641,512, T>A. VCF-style: chr1-214641512-T-A. GRCh37 (hg19) VCF-style: chr1-214814855-T-A.
Other names: short protein forms N1058K.
Identifiers: ClinVar variation 1314707 (VCV001314707.2), dbSNP rs2102559728, ClinGen allele CA344825328.